The following is an entry in ClinVar:

NM_000051.4(ATM):c.238C>T (p.Pro80Ser)

Gene: ATM (ATM serine/threonine kinase; plus strand). Cytogenetic location: 11q22.3.
Variant type: single nucleotide variant.
Coding change: c.238C>T on transcript NM_000051.4 (MANE Select); coding-DNA position 238, C replaced by T.
Protein change: p.Pro80Ser; replaces proline 80 with serine.
Molecular consequence: missense variant.
Genome position (GRCh38, 1-based): chr11:108,229,230, C>T. VCF-style: chr11-108229230-C-T. GRCh37 (hg19) VCF-style: chr11-108099957-C-T.
Other names: c.238C>T, p.Pro80Ser (NM_001351834.2, NM_001351835.2, NM_001351836.2); short protein forms P80S.
Identifiers: ClinVar variation 232904 (VCV000232904.14), dbSNP rs750597831, ClinGen allele CA6264539.

ClinVar aggregate classification (germline): Conflicting classifications of pathogenicity. Review status: criteria provided, conflicting classifications (1 of 4 stars). 5 submissions from 5 submitters: Uncertain significance (4); Likely benign (1). Last evaluated 2025-01-06.

Conditions:
Hereditary cancer-predisposing syndrome. Also called: Hereditary Cancer Syndrome; Neoplastic Syndromes, Hereditary; Tumor predisposition; Hereditary neoplastic syndrome. Identifiers: Orphanet 140162, MedGen C0027672, MeSH D009386, MONDO:0015356.
Familial cancer of breast. Also called: Hereditary breast cancer; hereditary breast carcinoma; BREAST CANCER, FAMILIAL. Identifiers: Orphanet 227535, MedGen C0346153, MONDO:0016419, OMIM 114480. Disease mechanism: loss of function.
Ataxia-telangiectasia syndrome (AT). Also called: Ataxia telangiectasia (A-T); Ataxia-telangiectasia, complementation group E; LOUIS-BAR SYNDROME; Cerebello-oculocutaneous telangiectasia; Immunodeficiency with ataxia telangiectasia; Ataxia-telangiectasia, complementation group D. Identifiers: Orphanet 100, MedGen C0004135, MONDO:0008840, OMIM 208900.

Allele frequency attached by ClinVar (database versions not stated): gnomAD exomes below 0.00001 and 0.00001; TOPMed below 0.00001; gnomAD 0.00001; ExAC 0.00002.
gnomAD v4.1: 2 of 1,613,108 alleles (0.00012%); highest among the groups gnomAD compares: African/African-American, 0.0013%; no homozygotes.

Submissions (5):

KCCC/NGS Laboratory, Kuwait Cancer Control Center
Classification: Uncertain significance for Familial cancer of breast. Last evaluated: 2025-01-06. Review status: criteria provided, single submitter. Criteria: ACMG Guidelines, 2015. Collection method: clinical testing. Allele origin: germline. Inheritance: Autosomal dominant inheritance. Affected: yes. Observed: 1 heterozygote.
Comment: This sequence change replaces proline, which is neutral and non-polar, with serine, which is neutral and polar, at codon 80 of the ATM protein (p.Pro80Ser). This amino acid position is not well conserved. This variant is present in population databases (rs750597831, gnomAD 0.007%). This variant has not been reported in the literature in individuals affected with ATM-related conditions. ClinVar contains an entry for this variant (Variation ID: 232904). In addition, this alteration is predicted to be tolerated by in silico analysis. In summary, the available evidence is currently insufficient to determine the role of this variant in disease. Therefore, it has been classified as a Variant of Uncertain Significance

Ambry Genetics
Classification: Likely benign for Hereditary cancer-predisposing syndrome. Last evaluated: 2024-08-06. Review status: criteria provided, single submitter. Criteria: Ambry Variant Classification Scheme 2023. Collection method: clinical testing. Allele origin: germline.

Baylor Genetics
Classification: Uncertain significance for Familial cancer of breast. Last evaluated: 2024-03-06. Review status: criteria provided, single submitter. Criteria: ACMG Guidelines, 2015. Collection method: clinical testing. Allele origin: unknown.

Labcorp Genetics (formerly Invitae), Labcorp
Classification: Uncertain significance for Ataxia-telangiectasia syndrome. Last evaluated: 2023-12-27. Review status: criteria provided, single submitter. Criteria: Invitae Variant Classification Sherloc (09022015). Collection method: clinical testing. Allele origin: germline.
Comment: This sequence change replaces proline, which is neutral and non-polar, with serine, which is neutral and polar, at codon 80 of the ATM protein (p.Pro80Ser). This variant is present in population databases (rs750597831, gnomAD 0.007%). This variant has not been reported in the literature in individuals affected with ATM-related conditions. ClinVar contains an entry for this variant (Variation ID: 232904). Advanced modeling of protein sequence and biophysical properties (such as structural, functional, and spatial information, amino acid conservation, physicochemical variation, residue mobility, and thermodynamic stability) performed at Invitae indicates that this missense variant is not expected to disrupt ATM protein function with a negative predictive value of 95%. In summary, the available evidence is currently insufficient to determine the role of this variant in disease. Therefore, it has been classified as a Variant of Uncertain Significance.

Women's Health and Genetics/Laboratory Corporation of America, LabCorp
Classification: Uncertain significance. Last evaluated: 2017-03-16. Review status: criteria provided, single submitter. Criteria: LabCorp Variant Classification Summary - May 2015. Collection method: clinical testing. Allele origin: germline.
Comment: Variant summary: The ATM c.238C>T (p.Pro80Ser) variant involves the alteration of a non-conserved nucleotide. 3/4 in silico tools predict a benign outcome for this variant (SNPs&GO not captured due to low reliability index). This variant was found in 2/114158 control chromosomes at a frequency of 0.0000175, which does not exceed the estimated maximal expected allele frequency of a pathogenic ATM variant (0.0010005). In addition, one clinical diagnostic laboratory classified this variant as uncertain significance. The variant of interest has not, to our knowledge, been reported in affected individuals via publications; nor evaluated for functional impact by in vivo/vitro studies. Because of the absence of clinical information and the lack of functional studies, the variant is classified as a variant of uncertain significance (VUS) until additional information becomes available.